The following is an entry in ClinVar:

ClinVar aggregate classification (germline): Conflicting classifications of pathogenicity. Review status: criteria provided, conflicting classifications (1 of 4 stars). 8 submissions from 7 submitters: Uncertain significance (2); Likely benign (6). Last evaluated 2026-09-01.

Conditions:
RYR1-related disorder. Also called: RYR1-related disorders; RYR1-related condition. Identifiers: MedGen CN239331.
Congenital multicore myopathy with external ophthalmoplegia (CMYO1B). Also called: Congenital myopathy 1B, autosomal recessive; Minicore myopathy; MULTICORE MYOPATHY; MULTIMINICORE DISEASE WITH EXTERNAL OPHTHALMOPLEGIA; Minicore myopathy with external ophthalmoplegia. Identifiers: Orphanet 598, Orphanet 98905, MedGen C1850674, MONDO:0009712, OMIM 255320, HP:0003789.
Malignant hyperthermia, susceptibility to, 1 (MHS1). Also called: Malignant hyperthermia suceptibility 1; Anesthesia related hyperthermia; Malignant hyperpyrexia; Fulminating hyperpyrexia; Pharmacogenic myopathy; RYR1-Related Malignant Hyperthermia Susceptibility. Identifiers: Orphanet 423, MedGen C2930980, MONDO:0007783, OMIM 145600.

Allele frequency attached by ClinVar (database versions not stated): gnomAD exomes 0.00043; 1000 Genomes Project 0.00220; 1000 Genomes Project 30x 0.00234; gnomAD 0.00280 and 0.00306; TOPMed 0.00321.
gnomAD v4.1: 795 of 1,022,488 alleles (0.078%); highest among the groups gnomAD compares: African/African-American, 0.92%; 3 homozygotes.

Submissions (8):

CeGaT Center for Human Genetics Tuebingen
Classification: Likely benign. Last evaluated: 2026-09-01. Review status: criteria provided, single submitter. Criteria: CeGaT Center For Human Genetics Tuebingen Variant Classification Criteria Version 2. Collection method: clinical testing. Allele origin: germline. Affected: yes. Observed: 7 variant alleles.
Comment: RYR1: PP3, BS2

PreventionGenetics, part of Exact Sciences
Classification: Likely benign for RYR1-related condition. Last evaluated: 2026-06-15. Review status: criteria provided, single submitter. Criteria: ACMG Guidelines, 2015. Collection method: clinical testing. Allele origin: germline.
Comment: This variant is classified as likely benign based on ACMG/AMP sequence variant interpretation guidelines (Richards et al. 2015 PMID: 25741868, with internal and published modifications).

Labcorp Genetics (formerly Invitae), Labcorp
Classification: Likely benign for RYR1-related disorder. Last evaluated: 2026-01-28. Review status: criteria provided, single submitter. Criteria: Invitae Variant Classification Sherloc (09022015). Collection method: clinical testing. Allele origin: germline.

Mayo Clinic Laboratories, Mayo Clinic
Classification: Likely benign. Last evaluated: 2025-06-27. Review status: criteria provided, single submitter. Criteria: ACMG Guidelines, 2015. Collection method: clinical testing. Allele origin: germline. Observed: 2 variant alleles.
Comment: BS1

Illumina Laboratory Services, Illumina
Classification: Likely benign for Congenital multicore myopathy with external ophthalmoplegia. Last evaluated: 2018-01-13. Review status: criteria provided, single submitter. Criteria: ICSL Variant Classification Criteria 13 December 2019. Collection method: clinical testing. Allele origin: germline.
Comment: This variant was observed in the ICSL laboratory as part of a predisposition screen in an ostensibly healthy population. It had not been previously curated by ICSL or reported in the Human Gene Mutation Database (HGMD: prior to June 1st, 2018), and was therefore a candidate for classification through an automated scoring system. Utilizing variant allele frequency, disease prevalence and penetrance estimates, and inheritance mode, an automated score was calculated to assess if this variant is too frequent to cause the disease. Based on the score and internal cut-off values, a variant classified as likely benign is not then subjected to further curation. The score for this variant resulted in a classification of likely benign for this disease.

Illumina Laboratory Services, Illumina
Classification: Likely benign for Malignant hyperthermia, susceptibility to, 1. Last evaluated: 2018-01-13. Review status: criteria provided, single submitter. Criteria: ICSL Variant Classification Criteria 13 December 2019. Collection method: clinical testing. Allele origin: germline.
Comment: the same text as in the submission from Illumina Laboratory Services, Illumina above.

GeneDx
Classification: Uncertain significance. Last evaluated: 2017-05-17. Review status: criteria provided, single submitter. Criteria: GeneDx Variant Classification (06012015). Collection method: clinical testing. Allele origin: germline. Affected: yes.
Comment: A variant of uncertain significance has been identified in the RYR1 gene. The R4319Q variant has not been published as a pathogenic variant, nor has it been reported as a benign variant to our knowledge. The R4319Q variant is observed in 11/1322 (0.83%) alleles from individuals of African background in large population cohorts and in 42/69576 (0.06%) alleles from individuals undergoing testing at GeneDx (Lek et al., 2016; 1000 Genomes Consortium et al., 2015; Exome Variant Server). This substitution occurs at a position where amino acids with similar properties to Arginine are tolerated across species. However, the R4319Q variant is a semi-conservative amino acid substitution, which may impact secondary protein structure as these residues differ in some properties. In silico analysis is inconsistent in its predictions as to whether or not the variant is damaging to the protein structure/function. Therefore, based on the currently available information, it is unclear whether this variant is a pathogenic variant or a rare benign variant.

Eurofins Ntd Llc (ga)
Classification: Uncertain significance. Last evaluated: 2014-07-10. Review status: criteria provided, single submitter. Criteria: EGL Classification Definitions 2015. Collection method: clinical testing. Allele origin: germline. Observed: 1 variant allele, 1 heterozygote.

Literature cited by the submitters: PubMed 32236737 (cited by Mayo Clinic Laboratories, Mayo Clinic).

NM_000540.3(RYR1):c.12956G>A (p.Arg4319Gln)

Gene: RYR1 (ryanodine receptor 1; plus strand). Cytogenetic location: 19q13.2.
Variant type: single nucleotide variant.
Coding change: c.12956G>A on transcript NM_000540.3 (MANE Select); coding-DNA position 12956, G replaced by A.
Protein change: p.Arg4319Gln; replaces arginine 4319 with glutamine.
Molecular consequence: missense variant.
Genome position (GRCh38, 1-based): chr19:38,565,290, G>A. VCF-style: chr19-38565290-G-A. GRCh37 (hg19) VCF-style: chr19-39055930-G-A.
Other names: p.Arg4319Gln; c.12941G>A, p.Arg4314Gln (NM_001042723.2); short protein forms R4319Q, R4314Q.
Identifiers: ClinVar variation 199217 (VCV000199217.64), dbSNP rs539194350, ClinGen allele CA024020.